The following is an entry in ClinVar:

ClinVar aggregate classification (germline): Uncertain significance (1 of 4 stars; one submission).

Conditions:
Developmental and epileptic encephalopathy. Identifiers: MedGen C5779964, MONDO:0100620.

gnomAD v4.1: 6 of 1,609,510 alleles (0.00037%); highest among the groups gnomAD compares: Admixed American, 0.0034%; no homozygotes.

Submission:

Victorian Clinical Genetics Services, Murdoch Childrens Research Institute
Classification: Uncertain significance for Developmental and epileptic encephalopathy. Last evaluated: 2026-04-27. Review status: criteria provided, single submitter. Criteria: ACMG Guidelines, 2015. Collection method: clinical testing. Allele origin: germline. Affected: yes.
Comment: This variant is classified as VUS-3A. Evidence in support of pathogenic classification: Variant is present in gnomAD <0.01 (v4: 6 heterozygote(s), 0 homozygote(s)); Missense variant predicted to be damaging by in silico tool(s) or highly conserved with a major amino acid change. Additional information: Variant is predicted to result in a missense amino acid change from Gly to Asp; This variant is heterozygous; This gene is associated with autosomal dominant congenital heart disease and has emerging evidence of both recessive and dominant variants causing developmental and epileptic encephalopathy (PanelApp Australia). It’s association with autosomal recessive congenital myopathy has been disputed by a ClinGen expert panel; This variant has no previous evidence of pathogenicity; No published evidence of segregation with disease has been identified for this variant; No published functional evidence has been identified for this variant; No comparable missense variants have previous evidence for pathogenicity; Variant is located in the annotated RyR domain (DECIPHER); Loss of function is a known mechanism of disease in this gene and is associated with congenital heart disease (PMID:31085573). Gain of function is the suggested disease mechanism for developmental and epileptic encephalopathy however it is not clearly established and still requires functional evidence to confirm this.

Literature cited by the submitters: PubMed 31085573.

NM_001036.6(RYR3):c.8279G>A (p.Gly2760Asp)

Gene: RYR3 (ryanodine receptor 3; plus strand). Cytogenetic location: 15q14.
Variant type: single nucleotide variant.
Coding change: c.8279G>A on transcript NM_001036.6 (MANE Select); coding-DNA position 8279, G replaced by A.
Protein change: p.Gly2760Asp; replaces glycine 2760 with aspartic acid.
Molecular consequence: missense variant.
Genome position (GRCh38, 1-based): chr15:33,750,166, G>A. VCF-style: chr15-33750166-G-A. GRCh37 (hg19) VCF-style: chr15-34042367-G-A.
Other names: c.8279G>A, p.Gly2760Asp (NM_001243996.4); short protein forms G2760D.
Identifiers: ClinVar variation 4879810 (VCV004879810.1).
Genomic context (GRCh38, chr15:33,750,166, plus strand): 5'-GTCTCCCAGAAGTGCAAAGGAAGAGCCAAATGTCATCTCTCACCTTACTGACCCCAGGTG[G>A]TGGCAGCCACCCTCTTCTGGTACCATATGACACCTTGACTGCCAAGGAAAAGTTCAAGGA-3'
Protein context (NP_001027.3, residues 2750-2770): KKKLELESKG[Gly2760Asp]GSHPLLVPYD